The following is an entry in ClinVar:

ClinVar aggregate classification (germline): Uncertain significance (1 of 4 stars; one submission).

Conditions:
Gastrointestinal stromal tumor. Also called: Gastrointestinal stromal tumor, somatic; Gastrointestinal stroma tumor. Identifiers: Orphanet 44890, MedGen C0238198, MeSH D046152, MONDO:0011719, OMIM 606764, HP:0100723.

gnomAD v4.1: 1 of 1,613,910 alleles (0.000062%); highest among the groups gnomAD compares: Non-Finnish European, 0.000085%; no homozygotes.

Submission:

Labcorp Genetics (formerly Invitae), Labcorp
Classification: Uncertain significance for Gastrointestinal stromal tumor. Last evaluated: 2023-11-01. Review status: criteria provided, single submitter. Criteria: Invitae Variant Classification Sherloc (09022015). Collection method: clinical testing. Allele origin: germline.
Comment: This sequence change replaces phenylalanine, which is neutral and non-polar, with tyrosine, which is neutral and polar, at codon 508 of the KIT protein (p.Phe508Tyr). This variant is not present in population databases (gnomAD no frequency). This variant has not been reported in the literature in individuals affected with KIT-related conditions. An algorithm developed to predict the effect of missense changes on protein structure and function (PolyPhen-2) suggests that this variant is likely to be tolerated. In summary, the available evidence is currently insufficient to determine the role of this variant in disease. Therefore, it has been classified as a Variant of Uncertain Significance.

NM_000222.3(KIT):c.1523T>A (p.Phe508Tyr)

Gene: KIT (KIT proto-oncogene, receptor tyrosine kinase; plus strand). Cytogenetic location: 4q12.
Variant type: single nucleotide variant.
Coding change: c.1523T>A on transcript NM_000222.3 (MANE Select); coding-DNA position 1523, T replaced by A.
Protein change: p.Phe508Tyr; replaces phenylalanine 508 with tyrosine.
Molecular consequence: missense variant.
Genome position (GRCh38, 1-based): chr4:54,726,033, T>A. VCF-style: chr4-54726033-T-A. GRCh37 (hg19) VCF-style: chr4-55592199-T-A.
Other names: c.1523T>A, p.Phe508Tyr (NM_001093772.2, NM_001385285.1, NM_001385286.1); c.1526T>A, p.Phe509Tyr (NM_001385284.1, NM_001385288.1, NM_001385290.1 and 1 more transcripts); short protein forms F508Y, F509Y.
Identifiers: ClinVar variation 2905816 (VCV002905816.3), dbSNP rs2109769785, ClinGen allele CA356906681.